The following is an entry in ClinVar:

NM_018055.5(NODAL):c.281G>C (p.Arg94Pro)

Gene: NODAL (nodal growth differentiation factor; minus strand). Cytogenetic location: 10q22.1.
Variant type: single nucleotide variant.
Coding change: c.281G>C on transcript NM_018055.5 (MANE Select); coding-DNA position 281, G replaced by C.
Protein change: p.Arg94Pro; replaces arginine 94 with proline.
Molecular consequence: missense variant. On other transcripts: 5 prime UTR variant (1).
Genome position (GRCh38, 1-based): chr10:70,435,896, C>G on the plus strand (G>C on the coding strand, the complement: NODAL is on the minus strand). VCF-style: chr10-70435896-C-G. GRCh37 (hg19) VCF-style: chr10-72195652-C-G.
Other names: c.-119G>C (NM_001329906.2); short protein forms R94P.
Identifiers: ClinVar variation 4737339 (VCV004737339.1).

ClinVar aggregate classification (germline): Uncertain significance (1 of 4 stars; one submission).

Conditions:
Heterotaxy, visceral, 5, autosomal (HTX5). Also called: Heterotaxy, visceral, 5. Identifiers: Orphanet 450, MedGen C3495537, MONDO:0700112, OMIM 270100.

Submission:

Labcorp Genetics (formerly Invitae), Labcorp
Classification: Uncertain significance for Heterotaxy, visceral, 5, autosomal. Last evaluated: 2025-01-30. Review status: criteria provided, single submitter. Criteria: Invitae Variant Classification Sherloc (09022015). Collection method: clinical testing. Allele origin: germline.
Comment: This sequence change replaces arginine, which is basic and polar, with proline, which is neutral and non-polar, at codon 94 of the NODAL protein (p.Arg94Pro). This variant is not present in population databases (gnomAD no frequency). This variant has not been reported in the literature in individuals affected with NODAL-related conditions. Invitae Evidence Modeling of protein sequence and biophysical properties (such as structural, functional, and spatial information, amino acid conservation, physicochemical variation, residue mobility, and thermodynamic stability) indicates that this missense variant is expected to disrupt NODAL protein function with a positive predictive value of 80%. In summary, the available evidence is currently insufficient to determine the role of this variant in disease. Therefore, it has been classified as a Variant of Uncertain Significance.